The following is an entry in ClinVar:

ClinVar aggregate classification (germline): Benign/Likely benign. Review status: criteria provided, multiple submitters, no conflicts (2 of 4 stars). 11 submissions from 10 submitters: Benign (3); Likely benign (6). 2 of the submissions do not count toward it. Last evaluated 2026-09-01.

Conditions:
Brain small vessel disease 1 with or without ocular anomalies (BSVD1). Also called: GOULD SYNDROME 1; PORENCEPHALY, TYPE 1, AUTOSOMAL DOMINANT; Brain small vessel disease with or without ocular anomalies; BRAIN SMALL VESSEL DISEASE WITH HEMORRHAGE. Identifiers: Orphanet 2940, Orphanet 36383, Orphanet 99810, MedGen C4755307, MONDO:0008289, OMIM 175780.
Autosomal dominant familial hematuria-retinal arteriolar tortuosity-contractures syndrome. Also called: Angiopathy, hereditary, with nephropathy, aneurysms, and muscle cramps; Hereditary Angiopathy with Nephropathy, Aneurysms, and Muscle Cramps (HANAC) Syndrome. Identifiers: Orphanet 73229, MedGen C2673195, MONDO:0012726, OMIM 611773.

Allele frequency attached by ClinVar (database versions not stated): ESP Exome Variant Server 0.00054; TOPMed 0.00068.
gnomAD v4.1: 1,840 of 1,613,778 alleles (0.11%); highest among the groups gnomAD compares: Non-Finnish European, 0.14%; 3 homozygotes.

Submissions (11):

CeGaT Center for Human Genetics Tuebingen
Classification: Likely benign. Last evaluated: 2026-09-01. Review status: criteria provided, single submitter. Criteria: CeGaT Center For Human Genetics Tuebingen Variant Classification Criteria Version 2. Collection method: clinical testing. Allele origin: germline. Affected: yes. Observed: 15 variant alleles.
Comment: COL4A1: BP4, BP7, BS1

Labcorp Genetics (formerly Invitae), Labcorp
Classification: Likely benign. Last evaluated: 2026-01-26. Review status: criteria provided, single submitter. Criteria: Invitae Variant Classification Sherloc (09022015). Collection method: clinical testing. Allele origin: germline.

Mayo Clinic Laboratories, Mayo Clinic
Classification: Benign. Last evaluated: 2025-09-11. Review status: criteria provided, single submitter. Criteria: ACMG Guidelines, 2015. Collection method: clinical testing. Allele origin: germline. Observed: 2 variant alleles.
Comment: BS1, BS2, BP4, BP7

Blueprint Genetics
Classification: Likely benign. Last evaluated: 2024-11-26. Review status: criteria provided, single submitter. Criteria: ACMG Guidelines, 2015. Collection method: clinical testing. Allele origin: germline.

ARUP Laboratories, Molecular Genetics and Genomics, ARUP Laboratories
Classification: Likely benign. Last evaluated: 2024-05-21. Review status: criteria provided, single submitter. Criteria: ARUP Molecular Germline Variant Investigation Process 2024. Collection method: clinical testing. Allele origin: germline.

GeneDx
Classification: Likely benign. Last evaluated: 2021-04-21. Review status: criteria provided, single submitter. Criteria: GeneDx Variant Classification Process June 2021. Collection method: clinical testing. Allele origin: germline. Affected: yes.

Illumina Laboratory Services, Illumina
Classification: Benign for Autosomal dominant familial hematuria-retinal arteriolar tortuosity-contractures syndrome. Last evaluated: 2018-01-13. Review status: criteria provided, single submitter. Criteria: ICSL Variant Classification Criteria 13 December 2019. Collection method: clinical testing. Allele origin: germline.
Comment: This variant was observed in the ICSL laboratory as part of a predisposition screen in an ostensibly healthy population. It had not been previously curated by ICSL or reported in the Human Gene Mutation Database (HGMD: prior to June 1st, 2018), and was therefore a candidate for classification through an automated scoring system. Utilizing variant allele frequency, disease prevalence and penetrance estimates, and inheritance mode, an automated score was calculated to assess if this variant is too frequent to cause the disease. Based on the score and internal cut-off values, a variant classified as benign is not then subjected to further curation. The score for this variant resulted in a classification of benign for this disease.

Illumina Laboratory Services, Illumina
Classification: Benign for Brain small vessel disease 1 with or without ocular anomalies. Last evaluated: 2018-01-13. Review status: criteria provided, single submitter. Criteria: ICSL Variant Classification Criteria 13 December 2019. Collection method: clinical testing. Allele origin: germline.
Comment: the same text as in the submission from Illumina Laboratory Services, Illumina above.

PreventionGenetics, part of Exact Sciences
Classification: Likely benign. Review status: criteria provided, single submitter. Criteria: ACMG Guidelines, 2015. Collection method: clinical testing. Allele origin: germline.

Clinical Genetics DNA and cytogenetics Diagnostics Lab, Erasmus MC, Erasmus Medical Center
Classification: Likely benign. Review status: no assertion criteria provided. Collection method: clinical testing. Allele origin: germline. Affected: yes. Study: VKGL Data-share Consensus. Not counted in ClinVar's aggregate classification.

Laboratory of Diagnostic Genome Analysis, Leiden University Medical Center (LUMC)
Classification: Likely benign. Review status: no assertion criteria provided. Collection method: clinical testing. Allele origin: germline. Affected: yes. Study: VKGL Data-share Consensus. Not counted in ClinVar's aggregate classification.

NM_001845.6(COL4A1):c.4797G>A (p.Ala1599=)

Gene: COL4A1 (collagen type IV alpha 1 chain; minus strand). Cytogenetic location: 13q34.
Variant type: single nucleotide variant.
Coding change: c.4797G>A on transcript NM_001845.6 (MANE Select); coding-DNA position 4797, G replaced by A.
Protein change: p.Ala1599=; no amino-acid change (alanine 1599 retained).
Molecular consequence: synonymous variant.
Genome position (GRCh38, 1-based): chr13:110,152,465, C>T on the plus strand (G>A on the coding strand, the complement: COL4A1 is on the minus strand). VCF-style: chr13-110152465-C-T. GRCh37 (hg19) VCF-style: chr13-110804812-C-T.
Other names: p.Ala1599=.
Identifiers: ClinVar variation 258259 (VCV000258259.55), dbSNP rs146638269, ClinGen allele CA7046797.